The following is an entry in ClinVar:

NM_003242.6(TGFBR2):c.1501C>T (p.Pro501Ser)

Gene: TGFBR2 (transforming growth factor beta receptor 2; plus strand). Cytogenetic location: 3p24.1.
Variant type: single nucleotide variant.
Coding change: c.1501C>T on transcript NM_003242.6 (MANE Select); coding-DNA position 1501, C replaced by T.
Protein change: p.Pro501Ser; replaces proline 501 with serine.
Molecular consequence: missense variant.
Genome position (GRCh38, 1-based): chr3:30,688,488, C>T. VCF-style: chr3-30688488-C-T. GRCh37 (hg19) VCF-style: chr3-30729980-C-T.
Other names: c.1576C>T, p.Pro526Ser (NM_001024847.3); c.1684C>T, p.Pro562Ser (NM_001407126.1); c.1609C>T, p.Pro537Ser (NM_001407127.1); c.1528C>T, p.Pro510Ser (NM_001407128.1); c.1504C>T, p.Pro502Ser (NM_001407129.1); c.1498C>T, p.Pro500Ser (NM_001407130.1); c.1396C>T, p.Pro466Ser (NM_001407132.1, NM_001407133.1, NM_001407134.1 and 2 more transcripts); c.1216C>T, p.Pro406Ser (NM_001407137.1); and 3 more; short protein forms P381S, P211S, P466S, P502S, P510S, P526S, P537S, P562S.
Identifiers: ClinVar variation 2822792 (VCV002822792.6), dbSNP rs1699661731, ClinGen allele CA351809413.

ClinVar aggregate classification (germline): Uncertain significance. Review status: criteria provided, multiple submitters, no conflicts (2 of 4 stars). 4 submissions from 4 submitters: Uncertain significance (4). Last evaluated 2026-04-29.

Conditions:
Loeys-Dietz syndrome 2 (LDS2). Also called: TGFBR2-Related Loeys-Dietz Syndrome; Marfan syndrome, type 2 (formerly); Marfan Syndrome type 2; Marfan like connective tissue disorder; MFS 2; AORTIC ANEURYSM, FAMILIAL THORACIC 3. Identifiers: Orphanet 284973, Orphanet 558, MedGen C2674574, MONDO:0012427, OMIM 610168.
Familial thoracic aortic aneurysm and aortic dissection (TAAD). Also called: Thoracic aortic aneurysms and dissections. Identifiers: Orphanet 91387, MedGen C4707243, MONDO:0019625.

Allele frequency attached by ClinVar (database versions not stated): gnomAD exomes below 0.00001; TOPMed 0.00001.
gnomAD v4.1: 1 of 1,614,226 alleles (0.000062%); highest among the groups gnomAD compares: Non-Finnish European, 0.000085%; no homozygotes.

Submissions (4):

Women's Health and Genetics/Laboratory Corporation of America, LabCorp
Classification: Uncertain significance. Last evaluated: 2026-04-29. Review status: criteria provided, single submitter. Criteria: LabCorp Variant Classification Summary - May 2015. Collection method: clinical testing. Allele origin: germline.
Comment: Variant summary: TGFBR2 c.1501C>T (p.Pro501Ser) results in a non-conservative amino acid change in the encoded protein sequence. Algorithms developed to predict the effect of missense changes on protein structure and function all suggest that this variant is likely to be disruptive. The variant was absent in 251084 control chromosomes. The available data on variant occurrences in the general population are insufficient to allow any conclusion about variant significance. To our knowledge, no occurrence of c.1501C>T in individuals affected with TGFBR2-related conditions and no experimental evidence demonstrating its impact on protein function have been reported. ClinVar contains an entry for this variant (Variation ID: 2822792). Based on the evidence outlined above, the variant was classified as uncertain significance.

Ambry Genetics
Classification: Uncertain significance for Familial thoracic aortic aneurysm and aortic dissection. Last evaluated: 2025-08-07. Review status: criteria provided, single submitter. Criteria: Ambry Variant Classification Scheme 2023. Collection method: clinical testing. Allele origin: germline.

All of Us Research Program, National Institutes of Health
Classification: Uncertain significance for Loeys-Dietz syndrome 2. Last evaluated: 2023-05-08. Review status: criteria provided, single submitter. Criteria: ACMG Guidelines, 2015. Collection method: clinical testing. Allele origin: germline. Inheritance: Autosomal dominant inheritance. Observed: 1 variant allele, 1 heterozygote.
Comment: This study involves interpretation of variants in research participants for the purpose of population health screening. Participant phenotype was not available at the time of variant classification. Additional details can be found in publication PMID: 35346344, PMCID: PMC8962531

Labcorp Genetics (formerly Invitae), Labcorp
Classification: Uncertain significance for Familial thoracic aortic aneurysm and aortic dissection. Last evaluated: 2022-12-26. Review status: criteria provided, single submitter. Criteria: Invitae Variant Classification Sherloc (09022015). Collection method: clinical testing. Allele origin: germline.
Comment: In summary, the available evidence is currently insufficient to determine the role of this variant in disease. Therefore, it has been classified as a Variant of Uncertain Significance. Advanced modeling of protein sequence and biophysical properties (such as structural, functional, and spatial information, amino acid conservation, physicochemical variation, residue mobility, and thermodynamic stability) performed at Invitae indicates that this missense variant is expected to disrupt TGFBR2 protein function. This variant has not been reported in the literature in individuals affected with TGFBR2-related conditions. This variant is not present in population databases (gnomAD no frequency). This sequence change replaces proline, which is neutral and non-polar, with serine, which is neutral and polar, at codon 501 of the TGFBR2 protein (p.Pro501Ser).